The following is an entry in ClinVar:

NM_004655.4(AXIN2):c.1536G>A (p.Lys512=)

Gene: AXIN2 (axin 2; minus strand). Cytogenetic location: 17q24.1.
Variant type: single nucleotide variant.
Coding change: c.1536G>A on transcript NM_004655.4 (MANE Select); coding-DNA position 1536, G replaced by A.
Protein change: p.Lys512=; no amino-acid change (lysine 512 retained).
Molecular consequence: synonymous variant.
Genome position (GRCh38, 1-based): chr17:65,537,500, C>T on the plus strand (G>A on the coding strand, the complement: AXIN2 is on the minus strand). VCF-style: chr17-65537500-C-T. GRCh37 (hg19) VCF-style: chr17-63533618-C-T.
Other names: c.1536G>A, p.Lys512= (NM_001363813.1); c.1536G>A (NM_004655.3).
Identifiers: ClinVar variation 1140269 (VCV001140269.11), dbSNP rs1235854145, ClinGen allele CA501691472.
Genomic context (GRCh38, chr17:65,537,500, plus strand): 5'-CTCGATCTCCTCCTTGGTCTTGGGGACGGCATGGTGGTGGATGTAGTGGTGGTGGACATG[C>T]TTCGTCGTCTGCTTGGTCACAAAGCCTTTGCCCCCGAGGAGGGGGCAGGCGCCCGGCGAG-3'
Protein context (NP_004646.3, residues 502-522): GKGFVTKQTT[Lys512=]HVHHHYIHHH

ClinVar aggregate classification (germline): Benign/Likely benign. Review status: criteria provided, multiple submitters, no conflicts (2 of 4 stars). 3 submissions from 3 submitters: Benign (1); Likely benign (2). Last evaluated 2025-08-20.

Conditions:
Hereditary cancer-predisposing syndrome. Also called: Hereditary Cancer Syndrome; Neoplastic Syndromes, Hereditary; Hereditary neoplastic syndrome; Tumor predisposition. Identifiers: Orphanet 140162, MedGen C0027672, MeSH D009386, MONDO:0015356.
Oligodontia-cancer predisposition syndrome. Also called: TOOTH AGENESIS-COLORECTAL CANCER SYNDROME. Identifiers: Orphanet 300576, MedGen C1837750, MONDO:0012075, OMIM 608615. Disease mechanism: loss of function.

Submissions (3):

Ambry Genetics
Classification: Likely benign for Hereditary cancer-predisposing syndrome. Last evaluated: 2025-08-20. Review status: criteria provided, single submitter. Criteria: Ambry Variant Classification Scheme 2023. Collection method: clinical testing. Allele origin: germline.

Myriad Genetics, Inc.
Classification: Benign for Oligodontia-cancer predisposition syndrome. Last evaluated: 2024-07-03. Review status: criteria provided, single submitter. Criteria: Myriad Autosomal Dominant, Autosomal Recessive and X-Linked Classification Criteria (2023). Collection method: clinical testing. Allele origin: unknown.
Comment: This variant is considered benign. This variant is a silent/synonymous amino acid change and it is not expected to impact splicing.

Labcorp Genetics (formerly Invitae), Labcorp
Classification: Likely benign for Oligodontia-cancer predisposition syndrome. Last evaluated: 2023-07-25. Review status: criteria provided, single submitter. Criteria: Invitae Variant Classification Sherloc (09022015). Collection method: clinical testing. Allele origin: germline.